The following is an entry in ClinVar:

NM_000553.6(WRN):c.2855C>G (p.Ser952Ter)

Gene: WRN (WRN RecQ like helicase; plus strand). Cytogenetic location: 8p12.
Variant type: single nucleotide variant.
Coding change: c.2855C>G on transcript NM_000553.6 (MANE Select); coding-DNA position 2855, C replaced by G.
Protein change: p.Ser952Ter; replaces serine 952 with a stop codon.
Molecular consequence: nonsense.
Genome position (GRCh38, 1-based): chr8:31,132,394, C>G. VCF-style: chr8-31132394-C-G. GRCh37 (hg19) VCF-style: chr8-30989910-C-G.
Other names: short protein forms S952*.
Identifiers: ClinVar variation 1076649 (VCV001076649.5), dbSNP rs1441659798, ClinGen allele CA370918863.

ClinVar aggregate classification (germline): Pathogenic (1 of 4 stars; one submission).

Conditions:
Werner syndrome (WRN). Identifiers: Orphanet 902, MedGen C0043119, MONDO:0010196, OMIM 277700.

Allele frequency attached by ClinVar (database versions not stated): gnomAD exomes below 0.00001; TOPMed below 0.00001; gnomAD 0.00001.
gnomAD v4.1: 3 of 1,613,942 alleles (0.00019%); highest among the groups gnomAD compares: Non-Finnish European, 0.00025%; no homozygotes.

Submission:

Labcorp Genetics (formerly Invitae), Labcorp
Classification: Pathogenic for Werner syndrome. Last evaluated: 2023-06-11. Review status: criteria provided, single submitter. Criteria: Invitae Variant Classification Sherloc (09022015). Collection method: clinical testing. Allele origin: germline.
Comment: For these reasons, this variant has been classified as Pathogenic. ClinVar contains an entry for this variant (Variation ID: 1076649). This premature translational stop signal has been observed in individual(s) with Werner syndrome and/or early-onset colorectal cancer susceptibility (PMID: 20443122, 26901136). This variant is not present in population databases (gnomAD no frequency). This sequence change creates a premature translational stop signal (p.Ser952*) in the WRN gene. It is expected to result in an absent or disrupted protein product. Loss-of-function variants in WRN are known to be pathogenic (PMID: 16673358).

Literature cited by the submitters: PubMed 20443122; PubMed 26901136; PubMed 16673358.